The following is an entry in ClinVar:

ClinVar aggregate classification (germline): Likely benign. Review status: criteria provided, single submitter (1 of 4 stars). 2 submissions from 2 submitters: Likely benign (1). 1 of the submissions does not count toward it. Last evaluated 2024-07-24.

Conditions:
PHIP-related disorder. Also called: PHIP-related disorders; PHIP-related condition.

Allele frequency attached by ClinVar (database versions not stated): ExAC 0.00002; TOPMed 0.00003; gnomAD 0.00005.
gnomAD v4.1: 15 of 1,611,822 alleles (0.00093%); highest among the groups gnomAD compares: African/African-American, 0.016%; no homozygotes.

Submissions (2):

Labcorp Genetics (formerly Invitae), Labcorp
Classification: Likely benign. Last evaluated: 2024-07-24. Review status: criteria provided, single submitter. Criteria: Invitae Variant Classification Sherloc (09022015). Collection method: clinical testing. Allele origin: germline.

PreventionGenetics, part of Exact Sciences
Classification: Uncertain significance for PHIP-related condition. Last evaluated: 2024-05-17. Review status: no assertion criteria provided. Collection method: clinical testing. Allele origin: germline. Not counted in ClinVar's aggregate classification.
Comment: The PHIP c.2254A>G variant is predicted to result in the amino acid substitution p.Arg752Gly. To our knowledge, this variant has not been reported in the literature. This variant is reported in 0.012% of alleles in individuals of African descent in gnomAD. Although we suspect that this variant may be benign, at this time, the clinical significance of this variant is uncertain due to the absence of conclusive functional and genetic evidence.

NM_017934.7(PHIP):c.2254A>G (p.Arg752Gly)

Gene: PHIP (PHIP subunit of CUL4-Ring ligase complex; minus strand). Cytogenetic location: 6q14.1.
Variant type: single nucleotide variant.
Coding change: c.2254A>G on transcript NM_017934.7 (MANE Select); coding-DNA position 2254, A replaced by G.
Protein change: p.Arg752Gly; replaces arginine 752 with glycine.
Molecular consequence: missense variant.
Genome position (GRCh38, 1-based): chr6:78,990,933, T>C on the plus strand (A>G on the coding strand, the complement: PHIP is on the minus strand). VCF-style: chr6-78990933-T-C. GRCh37 (hg19) VCF-style: chr6-79700650-T-C.
Other names: c.2254A>G (NM_017934.6); short protein forms R752G.
Identifiers: ClinVar variation 2874736 (VCV002874736.4), dbSNP rs754990621, ClinGen allele CA3899999.
Genomic context (GRCh38, chr6:78,990,933, plus strand): 5'-AGACAGTGGGTATTTTATTCTCTTTTGGAACAGTTAAGTGTTTTCTTTTCTCTTCTGACC[T>C]GTAAGTCTTTATTTCTTCTTCTCCCTTTGCAGTTCTCCATTCTTCTTGCCTACTGAAAGA-3'
Protein context (NP_060404.4, residues 742-762): AKGEEEIKTY[Arg752Gly]SEEKRKHLTV